The following is an entry in ClinVar:

ClinVar aggregate classification (germline): Uncertain significance (1 of 4 stars; one submission).

Conditions:
Shashi-Pena syndrome (SHAPNS). Identifiers: Orphanet 689408, MedGen C4310672, MONDO:0014963, OMIM 617190.

gnomAD v4.1: 1 of 1,613,778 alleles (0.000062%); highest among the groups gnomAD compares: Non-Finnish European, 0.000085%; no homozygotes.

Submission:

Victorian Clinical Genetics Services, Murdoch Childrens Research Institute
Classification: Uncertain significance for Shashi-Pena syndrome. Last evaluated: 2023-07-17. Review status: criteria provided, single submitter. Criteria: ACMG Guidelines, 2015. Collection method: clinical testing. Allele origin: germline. Inheritance: Autosomal dominant inheritance. Affected: yes.
Comment: Based on the classification scheme VCGS_Germline_v1.3.4, this variant is classified as VUS-3C. Following criteria are met: 0105 - The mechanism of disease for this gene is not clearly established. Functional studies suggest dominant negative as a likely mechanism as PTCs are shown to cluster in two hotspots of the gene and escape NMD resulting in truncated proteins (PMID: 27693232). (I) 0107 - This gene is associated with autosomal dominant disease. (I) 0200 - Variant is predicted to result in a missense amino acid change from aspartic acid to glutamic acid. (I) 0251 - This variant is heterozygous. (I) 0302 - Variant is present in gnomAD (v2) <0.001 for a dominant condition as an alternative nucleotide change resulting in the same protein outcome (2 heterozygotes, 0 homozygotes). (SP) 0502 - Missense variant with conflicting in silico predictions and uninformative conservation. (I) 0600 - Variant is located in the annotated Asx homology domain (DECIPHER). (I) 0705 - No comparable missense variants have previous evidence for pathogenicity. (I) 0807 - This variant has no previous evidence of pathogenicity. (I) 0905 - No published segregation evidence has been identified for this variant. (I) 1007 - No published functional evidence has been identified for this variant. (I) 1208 - Inheritance information for this variant is not currently available in this individual. (I) Legend: (SP) - Supporting pathogenic, (I) - Information, (SB) - Supporting benign

Literature cited by the submitters: PubMed 27693232.

NM_018263.6(ASXL2):c.825C>A (p.Asp275Glu)

Gene: ASXL2 (ASXL transcriptional regulator 2; minus strand). Cytogenetic location: 2p23.3.
Variant type: single nucleotide variant.
Coding change: c.825C>A on transcript NM_018263.6 (MANE Select); coding-DNA position 825, C replaced by A.
Protein change: p.Asp275Glu; replaces aspartic acid 275 with glutamic acid.
Molecular consequence: missense variant.
Genome position (GRCh38, 1-based): chr2:25,759,596, G>T on the plus strand (C>A on the coding strand, the complement: ASXL2 is on the minus strand). VCF-style: chr2-25759596-G-T. GRCh37 (hg19) VCF-style: chr2-25982465-G-T.
Other names: c.651C>A, p.Asp217Glu (NM_001369346.1); c.45C>A, p.Asp15Glu (NM_001369347.1); short protein forms D15E, D217E, D275E.
Identifiers: ClinVar variation 3254707 (VCV003254707.1), dbSNP rs1266235197.